The following is an entry in ClinVar:

NM_000291.4(PGK1):c.242T>G (p.Val81Gly)

Gene: PGK1 (phosphoglycerate kinase 1; plus strand). Cytogenetic location: Xq21.1.
Variant type: single nucleotide variant.
Coding change: c.242T>G on transcript NM_000291.4 (MANE Select); coding-DNA position 242, T replaced by G.
Protein change: p.Val81Gly; replaces valine 81 with glycine.
Molecular consequence: missense variant.
Genome position (GRCh38, 1-based): chrX:78,113,869, T>G. VCF-style: chrX-78113869-T-G. GRCh37 (hg19) VCF-style: chrX-77369366-T-G.
Other names: short protein forms V81G.
Identifiers: ClinVar variation 3019025 (VCV003019025.3), dbSNP rs150212804, ClinGen allele CA10459639.

ClinVar aggregate classification (germline): Uncertain significance (1 of 4 stars; one submission).

Allele frequency attached by ClinVar (database versions not stated): ExAC 0.00002; gnomAD 0.00001; TOPMed 0.00002; ESP Exome Variant Server 0.00009; gnomAD exomes 0.00001.
gnomAD v4.1: 15 of 1,209,811 alleles (0.0012%); highest among the groups gnomAD compares: Non-Finnish European, 0.0017%; no homozygotes.

Submission:

Labcorp Genetics (formerly Invitae), Labcorp
Classification: Uncertain significance. Last evaluated: 2025-04-17. Review status: criteria provided, single submitter. Criteria: Invitae Variant Classification Sherloc (09022015). Collection method: clinical testing. Allele origin: germline.
Comment: This sequence change replaces valine, which is neutral and non-polar, with glycine, which is neutral and non-polar, at codon 81 of the PGK1 protein (p.Val81Gly). This variant is present in population databases (rs150212804, gnomAD 0.002%). This variant has not been reported in the literature in individuals affected with PGK1-related conditions. ClinVar contains an entry for this variant (Variation ID: 3019025). Invitae Evidence Modeling of protein sequence and biophysical properties (such as structural, functional, and spatial information, amino acid conservation, physicochemical variation, residue mobility, and thermodynamic stability) indicates that this missense variant is expected to disrupt PGK1 protein function with a positive predictive value of 80%. In summary, the available evidence is currently insufficient to determine the role of this variant in disease. Therefore, it has been classified as a Variant of Uncertain Significance.